The following is an entry in ClinVar:

NM_004006.3(DMD):c.4693C>G (p.Gln1565Glu)

Gene: DMD (dystrophin; minus strand). Cytogenetic location: Xp21.1.
Variant type: single nucleotide variant.
Coding change: c.4693C>G on transcript NM_004006.3 (MANE Select); coding-DNA position 4693, C replaced by G.
Protein change: p.Gln1565Glu; replaces glutamine 1565 with glutamic acid.
Molecular consequence: missense variant.
Genome position (GRCh38, 1-based): chrX:32,380,662, G>C on the plus strand (C>G on the coding strand, the complement: DMD is on the minus strand). VCF-style: chrX-32380662-G-C. GRCh37 (hg19) VCF-style: chrX-32398779-G-C.
Other names: c.4669C>G, p.Gln1557Glu (NM_000109.4); c.4681C>G, p.Gln1561Glu (NM_004009.3); c.4324C>G, p.Gln1442Glu (NM_004010.3); c.670C>G, p.Gln224Glu (NM_004011.4); c.661C>G, p.Gln221Glu (NM_004012.4); short protein forms Q1442E, Q1557E, Q1561E, Q221E, Q224E, Q1565E.
Identifiers: ClinVar variation 1490594 (VCV001490594.8), dbSNP rs1603632117, ClinGen allele CA412661578.

ClinVar aggregate classification (germline): Uncertain significance (1 of 4 stars; one submission).

Conditions:
Duchenne muscular dystrophy (DMD). Also called: Duchenne Muscular Dystrophy (DMD); MUSCULAR DYSTROPHY, PSEUDOHYPERTROPHIC PROGRESSIVE, DUCHENNE TYPE. Identifiers: Orphanet 98896, MedGen C0013264, MONDO:0010679, OMIM 310200.

Allele frequency attached by ClinVar (database versions not stated): gnomAD exomes below 0.00001.
gnomAD v4.1: 1 of 1,206,649 alleles (0.000083%); highest among the groups gnomAD compares: Non-Finnish European, 0.00011%; no homozygotes.

Submission:

Labcorp Genetics (formerly Invitae), Labcorp
Classification: Uncertain significance for Duchenne muscular dystrophy. Last evaluated: 2024-02-24. Review status: criteria provided, single submitter. Criteria: Invitae Variant Classification Sherloc (09022015). Collection method: clinical testing. Allele origin: germline.
Comment: This sequence change replaces glutamine, which is neutral and polar, with glutamic acid, which is acidic and polar, at codon 1565 of the DMD protein (p.Gln1565Glu). This variant is not present in population databases (gnomAD no frequency). This variant has not been reported in the literature in individuals affected with DMD-related conditions. ClinVar contains an entry for this variant (Variation ID: 1490594). Advanced modeling of protein sequence and biophysical properties (such as structural, functional, and spatial information, amino acid conservation, physicochemical variation, residue mobility, and thermodynamic stability) performed at Invitae indicates that this missense variant is not expected to disrupt DMD protein function with a negative predictive value of 95%. In summary, the available evidence is currently insufficient to determine the role of this variant in disease. Therefore, it has been classified as a Variant of Uncertain Significance.